The following is an entry in ClinVar:

ClinVar aggregate classification (germline): Uncertain significance (1 of 4 stars; one submission).

gnomAD v4.1: 9 of 1,613,994 alleles (0.00056%); highest among the groups gnomAD compares: African/African-American, 0.004%; no homozygotes.

Submission:

Labcorp Genetics (formerly Invitae), Labcorp
Classification: Uncertain significance. Last evaluated: 2025-05-01. Review status: criteria provided, single submitter. Criteria: Invitae Variant Classification Sherloc (09022015). Collection method: clinical testing. Allele origin: germline.
Comment: This sequence change replaces proline, which is neutral and non-polar, with serine, which is neutral and polar, at codon 3099 of the FREM2 protein (p.Pro3099Ser). This variant is present in population databases (no rsID available, gnomAD 0.02%). This variant has not been reported in the literature in individuals affected with FREM2-related conditions. An algorithm developed to predict the effect of missense changes on protein structure and function (PolyPhen-2) suggests that this variant is likely to be disruptive. In summary, the available evidence is currently insufficient to determine the role of this variant in disease. Therefore, it has been classified as a Variant of Uncertain Significance.

NM_207361.6(FREM2):c.9295C>T (p.Pro3099Ser)

Gene: FREM2 (FRAS1 related extracellular matrix 2; plus strand). Cytogenetic location: 13q13.3.
Variant type: single nucleotide variant.
Coding change: c.9295C>T on transcript NM_207361.6 (MANE Select); coding-DNA position 9295, C replaced by T.
Protein change: p.Pro3099Ser; replaces proline 3099 with serine.
Molecular consequence: missense variant.
Genome position (GRCh38, 1-based): chr13:38,880,572, C>T. VCF-style: chr13-38880572-C-T. GRCh37 (hg19) VCF-style: chr13-39454709-C-T.
Other names: short protein forms P3099S.
Identifiers: ClinVar variation 4748500 (VCV004748500.1).